The following is an entry in ClinVar:

ClinVar aggregate classification (germline): Uncertain significance. Review status: criteria provided, multiple submitters, no conflicts (2 of 4 stars). 3 submissions from 3 submitters: Uncertain significance (3). Last evaluated 2025-06-12.

Conditions:
ITGA3-related disorder. Also called: ITGA3-related condition.
Epidermolysis bullosa, junctional 7, with interstitial lung disease and nephrotic syndrome. Also called: Interstitial Lung Disease with Nephrotic Syndrome and Epidermolysis Bullosa; Interstitial lung disease, nephrotic syndrome, and epidermolysis bullosa, congenital. Identifiers: Orphanet 306504, MedGen C4518785, MONDO:0013881, OMIM 614748.

Allele frequency attached by ClinVar (database versions not stated): ExAC 0.00001; 1000 Genomes Project 30x 0.00016; 1000 Genomes Project 0.00020.

Submissions (3):

Labcorp Genetics (formerly Invitae), Labcorp
Classification: Uncertain significance. Last evaluated: 2025-06-12. Review status: criteria provided, single submitter. Criteria: Invitae Variant Classification Sherloc (09022015). Collection method: clinical testing. Allele origin: germline.
Comment: This sequence change replaces arginine, which is basic and polar, with glutamine, which is neutral and polar, at codon 875 of the ITGA3 protein (p.Arg875Gln). The frequency data for this variant in the population databases is considered unreliable, as metrics indicate poor data quality at this position in the gnomAD database. This variant has not been reported in the literature in individuals affected with ITGA3-related conditions. ClinVar contains an entry for this variant (Variation ID: 2907663). An algorithm developed to predict the effect of missense changes on protein structure and function (PolyPhen-2) suggests that this variant is likely to be disruptive. In summary, the available evidence is currently insufficient to determine the role of this variant in disease. Therefore, it has been classified as a Variant of Uncertain Significance.

PreventionGenetics, part of Exact Sciences
Classification: Uncertain significance for ITGA3-related condition. Last evaluated: 2025-04-05. Review status: criteria provided, single submitter. Criteria: ACMG Guidelines, 2015. Collection method: clinical testing. Allele origin: germline.
Comment: The ITGA3 c.2624G>A variant is predicted to result in the amino acid substitution p.Arg875Gln. To our knowledge, this variant has not been reported in the literature. This variant is reported in 0.016% of alleles in individuals of African descent in gnomAD. At this time, the clinical significance of this variant is uncertain due to the absence of conclusive functional and genetic evidence.

Fulgent Genetics
Classification: Uncertain significance for Epidermolysis bullosa, junctional 7, with interstitial lung disease and nephrotic syndrome. Last evaluated: 2024-05-06. Review status: criteria provided, single submitter. Criteria: ACMG Guidelines, 2015. Collection method: clinical testing. Allele origin: germline.

NM_002204.4(ITGA3):c.2624G>A (p.Arg875Gln)

Gene: ITGA3 (integrin subunit alpha 3; plus strand). Cytogenetic location: 17q21.33.
Variant type: single nucleotide variant.
Coding change: c.2624G>A on transcript NM_002204.4 (MANE Select); coding-DNA position 2624, G replaced by A.
Protein change: p.Arg875Gln; replaces arginine 875 with glutamine.
Molecular consequence: missense variant.
Genome position (GRCh38, 1-based): chr17:50,079,475, G>A. VCF-style: chr17-50079475-G-A. GRCh37 (hg19) VCF-style: chr17-48156839-G-A.
Other names: c.2624G>A (NM_002204.3); short protein forms R875Q.
Identifiers: ClinVar variation 2907663 (VCV002907663.5), dbSNP rs534635014, ClinGen allele CA8641986.
Genomic context (GRCh38, chr17:50,079,475, plus strand): 5'-ATCTCCTATTTCCTCTCCAGGACCCTGGGGACAGGCCATCATCCCCACAGCGCAGGCGGC[G>A]ACAGCTGGATCCAGGGGGAGGCCAGGGCCCCCCACCTGTCACTCTGGCTGCTGCCAAAAA-3'
Protein context (NP_002195.1, residues 865-885): DRPSSPQRRR[Arg875Gln]QLDPGGGQGP